The following is an entry in ClinVar:

NM_138459.5(NUS1):c.443T>A (p.Leu148Ter)

Gene: NUS1 (NUS1 dehydrodolichyl diphosphate synthase subunit; plus strand). Cytogenetic location: 6q22.1.
Variant type: single nucleotide variant.
Coding change: c.443T>A on transcript NM_138459.5 (MANE Select); coding-DNA position 443, T replaced by A.
Protein change: p.Leu148Ter; replaces leucine 148 with a stop codon.
Molecular consequence: nonsense.
Genome position (GRCh38, 1-based): chr6:117,693,069, T>A. VCF-style: chr6-117693069-T-A. GRCh37 (hg19) VCF-style: chr6-118014232-T-A.
Other names: short protein forms L148*.
Identifiers: ClinVar variation 985786 (VCV000985786.4), dbSNP rs1773264138, ClinGen allele CA365536659.
Genomic context (GRCh38, chr6:117,693,069, plus strand): 5'-GTTGTGTTTTACTTGCCTTTTTCTTTTTTAAAGGTATTTTCAAAAGAAATAATTCCAGAT[T>A]GATGGATGAAATTTTAAAACAACAGCAAGAACTTCTGGGCCTAGATTGTTCAAAATACTC-3'

ClinVar aggregate classification (germline): Pathogenic (1 of 4 stars; one submission).

Conditions:
Inborn genetic diseases. Identifiers: MedGen C0950123, MeSH D030342.

Submission:

Ambry Genetics
Classification: Pathogenic for Inborn genetic diseases. Last evaluated: 2020-05-28. Review status: criteria provided, single submitter. Criteria: Ambry Variant Classification Scheme 2023. Collection method: clinical testing. Allele origin: germline.
Comment: The alteration results in a premature stop codon: _x000D_ _x000D_ The c.443T>A (p.L148*) alteration, located in coding exon 2 of the NUS1 gene, results from a T to A substitution at nucleotide position 443. This changes the amino acid from a leucine (L) to a stop codon at amino acid position 148. This alteration is expected to result in loss of function by premature protein truncation or nonsense-mediated mRNA decay. Based on the available evidence, this alteration is classified as pathogenic.